The following is an entry in ClinVar:

NM_001148.6(ANK2):c.8486T>C (p.Val2829Ala)

Gene: ANK2 (ankyrin 2; plus strand). Cytogenetic location: 4q26.
Variant type: single nucleotide variant.
Coding change: c.8486T>C on transcript NM_001148.6 (MANE Select); coding-DNA position 8486, T replaced by C.
Protein change: p.Val2829Ala; replaces valine 2829 with alanine.
Molecular consequence: missense variant. On other transcripts: intron variant (68).
Genome position (GRCh38, 1-based): chr4:113,357,104, T>C. VCF-style: chr4-113357104-T-C. GRCh37 (hg19) VCF-style: chr4-114278260-T-C.
Other names: c.8252T>C, p.Val2751Ala (NM_001386142.1); c.4886T>C, p.Val1629Ala (NM_001386166.1); c.8627T>C, p.Val2876Ala (NM_001386174.1); c.8603T>C, p.Val2868Ala (NM_001386175.1); c.4412-3719T>C (NM_001386186.2, NM_001386148.2); c.4214-3719T>C (NM_001354269.3); c.4292-3719T>C (NM_001386187.2); c.4253-3719T>C (NM_001386147.1); and 35 more; short protein forms V1629A, V2751A, V2829A, V2868A, V2876A.
Identifiers: ClinVar variation 3026665 (VCV003026665.22), dbSNP rs750637291, ClinGen allele CA3051780.

ClinVar aggregate classification (germline): Uncertain significance (1 of 4 stars; one submission).

Allele frequency attached by ClinVar (database versions not stated): gnomAD exomes below 0.00001; ExAC 0.00001.
gnomAD v4.1: 1 of 1,614,064 alleles (0.000062%); highest among the groups gnomAD compares: Non-Finnish European, 0.000085%; no homozygotes.

Submission:

CeGaT Center for Human Genetics Tuebingen
Classification: Uncertain significance. Last evaluated: 2023-12-01. Review status: criteria provided, single submitter. Criteria: CeGaT Center For Human Genetics Tuebingen Variant Classification Criteria Version 2. Collection method: clinical testing. Allele origin: germline. Affected: yes. Observed: 1 variant allele.
Comment: ANK2: PM2, BP4